The following is an entry in ClinVar:

ClinVar aggregate classification (germline): Likely pathogenic (1 of 4 stars; one submission).

Conditions:
Duchenne muscular dystrophy (DMD). Also called: MUSCULAR DYSTROPHY, PSEUDOHYPERTROPHIC PROGRESSIVE, DUCHENNE TYPE; Duchenne Muscular Dystrophy (DMD). Identifiers: Orphanet 98896, MedGen C0013264, MONDO:0010679, OMIM 310200.

Submission:

Labcorp Genetics (formerly Invitae), Labcorp
Classification: Likely pathogenic for Duchenne muscular dystrophy. Last evaluated: 2017-03-02. Review status: criteria provided, single submitter. Criteria: Invitae Variant Classification Sherloc (09022015). Collection method: clinical testing. Allele origin: germline.
Comment: This variant is an in-frame deletion of the genomic region encompassing exons 5-9 of the DMD gene. It preserves the integrity of the reading frame. This particular deletion has been reported in the literature in individuals affected with DMD-related conditions (PMID: 25482253, 16030524). In summary, this variant is a rare in-frame deletion that has been reported in individuals with DMD-related disease. This evidence indicates that the variant is pathogenic, but additional data is needed to prove that conclusively. Therefore, this variant has been classified as Likely Pathogenic.

NC_000023.11:g.(?_32697850)_(32823850_?)del

Gene: DMD (dystrophin; minus strand). Cytogenetic location: Xp21.1.
Variant type: Deletion.
Identifiers: ClinVar variation 455842 (VCV000455842.1).